The following is an entry in ClinVar:

ClinVar aggregate classification (germline): Uncertain significance. Review status: criteria provided, multiple submitters, no conflicts (2 of 4 stars). 2 submissions from 2 submitters: Uncertain significance (2). Last evaluated 2025-01-24.

Conditions:
Hereditary cancer-predisposing syndrome. Also called: Neoplastic Syndromes, Hereditary; Tumor predisposition; Hereditary Cancer Syndrome; Hereditary neoplastic syndrome. Identifiers: Orphanet 140162, MedGen C0027672, MeSH D009386, MONDO:0015356.

Submissions (2):

Ambry Genetics
Classification: Uncertain significance for Hereditary cancer-predisposing syndrome. Last evaluated: 2025-01-24. Review status: criteria provided, single submitter. Criteria: Ambry Variant Classification Scheme 2023. Collection method: clinical testing. Allele origin: germline.
Comment: The p.D1149G variant (also known as c.3446A>G), located in coding exon 22 of the RAD50 gene, results from an A to G substitution at nucleotide position 3446. The aspartic acid at codon 1149 is replaced by glycine, an amino acid with similar properties. This amino acid position is conserved. In addition, the in silico prediction for this alteration is inconclusive. Since supporting evidence is limited at this time, the clinical significance of this alteration remains unclear.

Labcorp Genetics (formerly Invitae), Labcorp
Classification: Uncertain significance for Hereditary cancer-predisposing syndrome. Last evaluated: 2022-02-07. Review status: criteria provided, single submitter. Criteria: Invitae Variant Classification Sherloc (09022015). Collection method: clinical testing. Allele origin: germline.
Comment: In summary, the available evidence is currently insufficient to determine the role of this variant in disease. Therefore, it has been classified as a Variant of Uncertain Significance. Algorithms developed to predict the effect of missense changes on protein structure and function are either unavailable or do not agree on the potential impact of this missense change (SIFT: "Deleterious"; PolyPhen-2: "Benign"; Align-GVGD: "Class C0"). This variant has not been reported in the literature in individuals affected with RAD50-related conditions. This variant is not present in population databases (gnomAD no frequency). This sequence change replaces aspartic acid, which is acidic and polar, with glycine, which is neutral and non-polar, at codon 1149 of the RAD50 protein (p.Asp1149Gly).

NM_005732.4(RAD50):c.3446A>G (p.Asp1149Gly)

Genes: RAD50 (RAD50 double strand break repair protein; plus strand), TH2-LCR (Th2 cytokine locus control region; plus strand), TH2LCRR (T helper type 2 locus control region associated RNA; minus strand). Cytogenetic location: 5q31.1.
Variant type: single nucleotide variant.
Coding change: c.3446A>G on transcript NM_005732.4 (MANE Select); coding-DNA position 3446, A replaced by G.
Protein change: p.Asp1149Gly; replaces aspartic acid 1149 with glycine.
Molecular consequence: missense variant.
Genome position (GRCh38, 1-based): chr5:132,637,171, A>G. VCF-style: chr5-132637171-A-G. GRCh37 (hg19) VCF-style: chr5-131972863-A-G.
Other names: short protein forms D1149G.
Identifiers: ClinVar variation 1731510 (VCV001731510.8), dbSNP rs1453591243, ClinGen allele CA360930339.